The following is an entry in ClinVar:

ClinVar aggregate classification (germline): Uncertain significance (1 of 4 stars; one submission).

Submission:

Labcorp Genetics (formerly Invitae), Labcorp
Classification: Uncertain significance. Last evaluated: 2023-04-26. Review status: criteria provided, single submitter. Criteria: Invitae Variant Classification Sherloc (09022015). Collection method: clinical testing. Allele origin: germline.
Comment: In summary, the available evidence is currently insufficient to determine the role of this variant in disease. Therefore, it has been classified as a Variant of Uncertain Significance. Advanced modeling of protein sequence and biophysical properties (such as structural, functional, and spatial information, amino acid conservation, physicochemical variation, residue mobility, and thermodynamic stability) performed at Invitae indicates that this missense variant is not expected to disrupt CACNA1F protein function. ClinVar contains an entry for this variant (Variation ID: 1961383). This variant has not been reported in the literature in individuals affected with CACNA1F-related conditions. This variant is not present in population databases (gnomAD no frequency). This sequence change replaces isoleucine, which is neutral and non-polar, with valine, which is neutral and non-polar, at codon 882 of the CACNA1F protein (p.Ile882Val).

NM_001256789.3(CACNA1F):c.2611A>G (p.Ile871Val)

Gene: CACNA1F (calcium voltage-gated channel subunit alpha1 F; minus strand). Cytogenetic location: Xp11.23.
Variant type: single nucleotide variant.
Coding change: c.2611A>G on transcript NM_001256789.3 (MANE Select); coding-DNA position 2611, A replaced by G.
Protein change: p.Ile871Val; replaces isoleucine 871 with valine.
Molecular consequence: missense variant.
Genome position (GRCh38, 1-based): chrX:49,219,383, T>C on the plus strand (A>G on the coding strand, the complement: CACNA1F is on the minus strand). VCF-style: chrX-49219383-T-C. GRCh37 (hg19) VCF-style: chrX-49075842-T-C.
Other names: c.2449A>G, p.Ile817Val (NM_001256790.3); c.2644A>G, p.Ile882Val (NM_005183.4); short protein forms I817V, I871V, I882V.
Identifiers: ClinVar variation 1961383 (VCV001961383.5), dbSNP rs2520926047, ClinGen allele CA412965288.